The following is an entry in ClinVar:

NM_001165963.4(SCN1A):c.3898del (p.Thr1300fs)

Genes: SCN1A (sodium voltage-gated channel alpha subunit 1; minus strand), LOC102724058 (uncharacterized LOC102724058; plus strand). Cytogenetic location: 2q24.3.
Variant type: Deletion.
Coding change: c.3898del on transcript NM_001165963.4 (MANE Select); coding-DNA position 3898, one base deleted (A; older notation c.3898delA).
Protein change: p.Thr1300fs; shifts the reading frame from threonine 1300.
Molecular consequence: frameshift variant. On other transcripts: non-coding transcript variant (1).
Genome position (GRCh38, 1-based): chr2:166,009,823, T deleted on the plus strand (A on the coding strand, the reverse complement: SCN1A is on the minus strand); the first of 2 consecutive T bases (chr2:166,009,823-166,009,824); deleting either gives the same sequence. VCF-style (leftmost placement, unchanged base first): chr2-166009822-GT-G. GRCh37 (hg19) VCF-style: chr2-166866332-GT-G.
Other names: c.3814del, p.Thr1272fs (NM_001165964.3, NM_001353957.2, NM_001353958.2); c.3898del, p.Thr1300fs (NM_001202435.3, NM_001353948.2); c.3865del, p.Thr1289fs (NM_001353949.2, NM_001353950.2, NM_001353951.2 and 2 more transcripts); c.3862del, p.Thr1288fs (NM_001353954.2, NM_001353955.2); c.3811del, p.Thr1271fs (NM_001353960.2); c.1456del, p.Thr486fs (NM_001353961.2); short protein forms T1271fs, T1272fs, T1288fs, T1300fs, T486fs, T1289fs.
Identifiers: ClinVar variation 373117 (VCV000373117.1), dbSNP rs1057518229, ClinGen allele CA16042392.

ClinVar aggregate classification (germline): Pathogenic (1 of 4 stars; one submission).

Submission:

GeneDx
Classification: Pathogenic. Last evaluated: 2016-11-14. Review status: criteria provided, single submitter. Criteria: GeneDx Variant Classification (06012015). Collection method: clinical testing. Allele origin: germline. Affected: yes.
Comment: The c.3898delA pathogenic variant in the SCN1A gene causes a frameshift starting with codon Threonine 1300, changes this amino acid to a Glutamine residue and creates a premature Stop codon at position 19 of the new reading frame, denoted p.Thr1300GlnfsX19. This pathogenic variant is predicted to cause loss of normal protein function either through protein truncation or nonsense-mediated mRNA decay.